The following is an entry in ClinVar:

NM_001042492.3(NF1):c.7277G>T (p.Cys2426Phe)

Gene: NF1 (neurofibromin 1; plus strand). Cytogenetic location: 17q11.2.
Variant type: single nucleotide variant.
Coding change: c.7277G>T on transcript NM_001042492.3 (MANE Select); coding-DNA position 7277, G replaced by T.
Protein change: p.Cys2426Phe; replaces cysteine 2426 with phenylalanine.
Molecular consequence: missense variant.
Genome position (GRCh38, 1-based): chr17:31,349,207, G>T. VCF-style: chr17-31349207-G-T. GRCh37 (hg19) VCF-style: chr17-29676225-G-T.
Other names: c.7214G>T, p.Cys2405Phe (NM_000267.4); short protein forms C2426F, C2405F.
Identifiers: ClinVar variation 3879129 (VCV003879129.1).

ClinVar aggregate classification (germline): Uncertain significance (1 of 4 stars; one submission).

Conditions:
Cardiovascular phenotype. Identifiers: MedGen CN230736.
Hereditary cancer-predisposing syndrome. Also called: Tumor predisposition; Neoplastic Syndromes, Hereditary; Hereditary Cancer Syndrome; Hereditary neoplastic syndrome. Identifiers: Orphanet 140162, MedGen C0027672, MeSH D009386, MONDO:0015356.

Submission:

Ambry Genetics
Classification: Uncertain significance for Cardiovascular phenotype; Hereditary cancer-predisposing syndrome. Last evaluated: 2025-02-24. Review status: criteria provided, single submitter. Criteria: Ambry Variant Classification Scheme 2023. Collection method: clinical testing. Allele origin: germline.
Comment: The p.C2405F variant (also known as c.7214G>T), located in coding exon 48 of the NF1 gene, results from a G to T substitution at nucleotide position 7214. The cysteine at codon 2405 is replaced by phenylalanine, an amino acid with highly dissimilar properties. This amino acid position is conserved. In addition, the in silico prediction for this alteration is inconclusive. Based on the available evidence, the clinical significance of this variant remains unclear.